The following is an entry in ClinVar:

NM_006279.5(ST3GAL3):c.611C>T (p.Thr204Ile)

Gene: ST3GAL3 (ST3 beta-galactoside alpha-2,3-sialyltransferase 3; plus strand). Cytogenetic location: 1p34.1.
Variant type: single nucleotide variant.
Coding change: c.611C>T on transcript NM_006279.5 (MANE Select); coding-DNA position 611, C replaced by T.
Protein change: p.Thr204Ile; replaces threonine 204 with isoleucine.
Molecular consequence: missense variant. On other transcripts: non-coding transcript variant (5), intron variant (7).
Genome position (GRCh38, 1-based): chr1:43,899,594, C>T. VCF-style: chr1-43899594-C-T. GRCh37 (hg19) VCF-style: chr1-44365266-C-T.
Other names: c.611C>T, p.Thr204Ile (NM_001270459.2, NM_001350620.2, NM_174966.4); c.518C>T, p.Thr173Ile (NM_001270460.2); c.563C>T, p.Thr188Ile (NM_001270461.3, NM_174969.4); c.470C>T, p.Thr157Ile (NM_001270462.3); c.656C>T, p.Thr219Ile (NM_001350619.2, NM_174964.4); c.332C>T, p.Thr111Ile (NM_001350621.2); c.773C>T, p.Thr258Ile (NM_001363573.2, NM_174968.5); c.818C>T, p.Thr273Ile (NM_174963.5); and 9 more; short protein forms T188I, T258I, T273I, T204I, T242I, T111I, T173I, T157I.
Identifiers: ClinVar variation 1414059 (VCV001414059.10), dbSNP rs2077939695, ClinGen allele CA340270251.

ClinVar aggregate classification (germline): Uncertain significance. Review status: criteria provided, multiple submitters, no conflicts (2 of 4 stars). 2 submissions from 2 submitters: Uncertain significance (2). Last evaluated 2025-04-15.

Conditions:
Inborn genetic diseases. Identifiers: MedGen C0950123, MeSH D030342.
Early-infantile DEE. Also called: Early infantile epileptic encephalopathy; Ohtahara syndrome; Early infantile epileptic encephalopathy with suppression bursts. Identifiers: Orphanet 1934, MedGen C0393706, MONDO:0800491.

Allele frequency attached by ClinVar (database versions not stated): gnomAD exomes below 0.00001; TOPMed below 0.00001.
gnomAD v4.1: 2 of 1,614,118 alleles (0.00012%); highest among the groups gnomAD compares: Non-Finnish European, 0.00017%; no homozygotes.

Submissions (2):

Ambry Genetics
Classification: Uncertain significance for Inborn genetic diseases. Last evaluated: 2025-04-15. Review status: criteria provided, single submitter. Criteria: Ambry Variant Classification Scheme 2023. Collection method: clinical testing. Allele origin: germline.

Labcorp Genetics (formerly Invitae), Labcorp
Classification: Uncertain significance for Early-infantile DEE. Last evaluated: 2020-12-02. Review status: criteria provided, single submitter. Criteria: Invitae Variant Classification Sherloc (09022015). Collection method: clinical testing. Allele origin: germline.
Comment: This sequence change replaces threonine with isoleucine at codon 204 of the ST3GAL3 protein (p.Thr204Ile). The threonine residue is highly conserved and there is a moderate physicochemical difference between threonine and isoleucine. In summary, the available evidence is currently insufficient to determine the role of this variant in disease. Therefore, it has been classified as a Variant of Uncertain Significance. Algorithms developed to predict the effect of missense changes on protein structure and function are either unavailable or do not agree on the potential impact of this missense change (SIFT: "Deleterious"; PolyPhen-2: "Probably Damaging"; Align-GVGD: "Class C0"). This variant has not been reported in the literature in individuals with ST3GAL3-related conditions. This variant is not present in population databases (ExAC no frequency).